The following is an entry in ClinVar:

ClinVar aggregate classification (germline): Uncertain significance (1 of 4 stars; one submission).

Conditions:
Autosomal recessive limb-girdle muscular dystrophy type 2J (LGMDR10). Also called: MUSCULAR DYSTROPHY, LIMB-GIRDLE, AUTOSOMAL RECESSIVE 10; Limb-girdle muscular dystrophy, type 2J. Identifiers: Orphanet 140922, MedGen C1837342, MONDO:0012127, OMIM 608807.
Hypertrophic cardiomyopathy 9. Also called: Familial hypertrophic cardiomyopathy 9. Identifiers: MedGen C1861065, MONDO:0013412, OMIM 613765.
Tibial muscular dystrophy (TMD). Also called: Tibial muscular dystrophy, tardive; UDD MYOPATHY; Udd Distal Myopathy – Tibial Muscular Dystrophy. Identifiers: Orphanet 609, MedGen C1838244, MONDO:0010870, OMIM 600334.
Dilated cardiomyopathy 1G (CMD1G). Identifiers: Orphanet 154, MedGen C1858763, MONDO:0011400, OMIM 604145.
Early-onset myopathy with fatal cardiomyopathy (CMYO5). Also called: CONGENITAL MYOPATHY 5 WITH CARDIOMYOPATHY; Salih Myopathy. Identifiers: Orphanet 289377, MedGen C2673677, MONDO:0012714, OMIM 611705. Disease mechanism: loss of function.
Myopathy, myofibrillar, 9, with early respiratory failure (MFM9). Also called: Myopathy, distal, with early respiratory failure, autosomal dominant; Hereditary myopathy with early respiratory failure; EDSTROM MYOPATHY; MYOPATHY, PROXIMAL, WITH EARLY RESPIRATORY MUSCLE INVOLVEMENT. Identifiers: Orphanet 178464, Orphanet 34521, MedGen C1863599, MONDO:0011362, OMIM 603689.

Submission:

Kariminejad - Najmabadi Pathology & Genetics Center
Classification: Uncertain significance for Dilated cardiomyopathy 1G; Hypertrophic cardiomyopathy 9; Autosomal recessive limb-girdle muscular dystrophy type 2J; Myopathy, myofibrillar, 9, with early respiratory failure; Early-onset myopathy with fatal cardiomyopathy; Tibial muscular dystrophy. Last evaluated: 2020-09-07. Review status: criteria provided, single submitter. Criteria: ACMG Guidelines, 2015. Collection method: clinical testing. Allele origin: germline. Inheritance: Autosomal recessive inheritance. Affected: yes.
Comment: PVS1_supporting, PM2, PM3_Supporting

NM_002334.4(LRP4):c.4693-2A>G

Genes: LRP4 (LDL receptor related protein 4; minus strand), LRP4-AS1 (LRP4 antisense RNA 1; plus strand). Cytogenetic location: 11p11.2.
Variant type: single nucleotide variant.
Coding change: c.4693-2A>G on transcript NM_002334.4 (MANE Select); the canonical splice acceptor site of the intron before coding-DNA position 4693, A replaced by G.
Molecular consequence: splice acceptor variant.
Genome position (GRCh38, 1-based): chr11:46,869,134, T>C on the plus strand (A>G on the coding strand, the complement: LRP4 is on the minus strand). VCF-style: chr11-46869134-T-C. GRCh37 (hg19) VCF-style: chr11-46890685-T-C.
Identifiers: ClinVar variation 3896905 (VCV003896905.1).